The following is an entry in ClinVar:

NM_002693.3(POLG):c.1292G>T (p.Gly431Val)

Gene: POLG (DNA polymerase gamma, catalytic subunit; minus strand). Cytogenetic location: 15q26.1.
Variant type: single nucleotide variant.
Coding change: c.1292G>T on transcript NM_002693.3 (MANE Select); coding-DNA position 1292, G replaced by T.
Protein change: p.Gly431Val; replaces glycine 431 with valine.
Molecular consequence: missense variant.
Genome position (GRCh38, 1-based): chr15:89,327,308, C>A on the plus strand (G>T on the coding strand, the complement: POLG is on the minus strand). VCF-style: chr15-89327308-C-A. GRCh37 (hg19) VCF-style: chr15-89870539-C-A.
Other names: c.1292G>T, p.Gly431Val (NM_001126131.2); short protein forms G431V.
Identifiers: ClinVar variation 2137741 (VCV002137741.5), dbSNP rs2055535765, ClinGen allele CA393762658.
Genomic context (GRCh38, chr15:89,327,308, plus strand): 5'-GTGCCCTGTGCCTCTGCCAGGTAACGCTCCCAGTTCTGGTTGACAGGCAGGTAGGAGACA[C>A]CCATCTCCAGCATGCCGGCCAGAGTCACTGGGTGGGGACACCTTGGAGGCAAACACCAGG-3'
Protein context (NP_002684.1, residues 421-441): PVTLAGMLEM[Gly431Val]VSYLPVNQNW

ClinVar aggregate classification (germline): Uncertain significance. Review status: criteria provided, multiple submitters, no conflicts (2 of 4 stars). 2 submissions from 2 submitters: Uncertain significance (2). Last evaluated 2024-04-29.

Conditions:
Progressive sclerosing poliodystrophy (MTDPS4A). Also called: Mitochondrial DNA depletion syndrome 4A (Alpers type); Alpers Syndrome; ALPERS DIFFUSE DEGENERATION OF CEREBRAL GRAY MATTER WITH HEPATIC CIRRHOSIS; Alpers-Huttenlocher Syndrome; ALPERS PROGRESSIVE INFANTILE POLIODYSTROPHY; NEURONAL DEGENERATION OF CHILDHOOD WITH LIVER DISEASE, PROGRESSIVE. Identifiers: Orphanet 726, MedGen C0205710, MONDO:0008758, OMIM 203700.

Allele frequency attached by ClinVar (database versions not stated): gnomAD exomes below 0.00001.
gnomAD v4.1: 1 of 1,614,068 alleles (0.000062%); highest among the groups gnomAD compares: Non-Finnish European, 0.000085%; no homozygotes.

Submissions (2):

Women's Health and Genetics/Laboratory Corporation of America, LabCorp
Classification: Uncertain significance. Last evaluated: 2024-04-29. Review status: criteria provided, single submitter. Criteria: LabCorp Variant Classification Summary - May 2015. Collection method: clinical testing. Allele origin: germline.
Comment: Variant summary: POLG c.1292G>T (p.Gly431Val) results in a non-conservative amino acid change in the encoded protein sequence. Five of five in-silico tools predict a damaging effect of the variant on protein function. The variant was absent in 251242 control chromosomes (gnomAD). The available data on variant occurrences in the general population are insufficient to allow any conclusion about variant significance. c.1292G>T has been reported in the literature in an individual affected with Progressive external ophthalmoplegia. These data do not allow any conclusion about variant significance. To our knowledge, no experimental evidence demonstrating an impact on protein function has been reported. The following publication has been ascertained in the context of this evaluation (PMID: 12707443). ClinVar contains an entry for this variant (Variation ID: 2137741). Based on the evidence outlined above, the variant was classified as uncertain significance.

Labcorp Genetics (formerly Invitae), Labcorp
Classification: Uncertain significance for Progressive sclerosing poliodystrophy. Last evaluated: 2023-07-29. Review status: criteria provided, single submitter. Criteria: Invitae Variant Classification Sherloc (09022015). Collection method: clinical testing. Allele origin: germline.
Comment: In summary, the available evidence is currently insufficient to determine the role of this variant in disease. Therefore, it has been classified as a Variant of Uncertain Significance. Advanced modeling of protein sequence and biophysical properties (such as structural, functional, and spatial information, amino acid conservation, physicochemical variation, residue mobility, and thermodynamic stability) performed at Invitae indicates that this missense variant is expected to disrupt POLG protein function. ClinVar contains an entry for this variant (Variation ID: 2137741). This missense change has been observed in individual(s) with autosomal recessive progressive external ophthalmoplegia (PMID: 12707443). This variant is not present in population databases (gnomAD no frequency). This sequence change replaces glycine, which is neutral and non-polar, with valine, which is neutral and non-polar, at codon 431 of the POLG protein (p.Gly431Val).

Literature cited by the submitters: PubMed 12707443 (cited by Women's Health and Genetics/Laboratory Corporation of America, LabCorp and Labcorp Genetics (formerly Invitae), Labcorp).